The following is an entry in ClinVar:

ClinVar aggregate classification (germline): Uncertain significance. Review status: criteria provided, multiple submitters, no conflicts (2 of 4 stars). 2 submissions from 2 submitters: Uncertain significance (2). Last evaluated 2021-06-15.

Conditions:
Kabuki syndrome 1 (KABUK1). Also called: KMT2D-Related Kabuki Syndrome. Identifiers: Orphanet 2322, MedGen CN030661, MONDO:0007843, OMIM 147920.
Kabuki syndrome. Also called: NIIKAWA-KUROKI SYNDROME; Kabuki make-up syndrome. Identifiers: Orphanet 2322, MedGen C0796004, MONDO:0016512.

Allele frequency attached by ClinVar (database versions not stated): gnomAD exomes below 0.00001.

Submissions (2):

New York Genome Center
Classification: Uncertain significance for Kabuki syndrome 1. Last evaluated: 2021-06-15. Review status: criteria provided, single submitter. Criteria: NYGC Assertion Criteria 2020. Collection method: clinical testing. Allele origin: germline. Observed: 1 heterozygote. Study: CSER-NYCKidSeq.

Labcorp Genetics (formerly Invitae), Labcorp
Classification: Uncertain significance for Kabuki syndrome. Last evaluated: 2021-01-29. Review status: criteria provided, single submitter. Criteria: Invitae Variant Classification Sherloc (09022015). Collection method: clinical testing. Allele origin: germline.
Comment: In summary, the available evidence is currently insufficient to determine the role of this variant in disease. Therefore, it has been classified as a Variant of Uncertain Significance. Advanced modeling of protein sequence and biophysical properties (such as structural, functional, and spatial information, amino acid conservation, physicochemical variation, residue mobility, and thermodynamic stability) performed at Invitae indicates that this missense variant is not expected to disrupt KMT2D protein function. This variant has not been reported in the literature in individuals with KMT2D-related conditions. This variant is not present in population databases (ExAC no frequency). This sequence change replaces isoleucine with valine at codon 1300 of the KMT2D protein (p.Ile1300Val). The isoleucine residue is moderately conserved and there is a small physicochemical difference between isoleucine and valine.

NM_003482.4(KMT2D):c.3898A>G (p.Ile1300Val)

Genes: KMT2D (lysine methyltransferase 2D; minus strand), LOC126861520 (CDK7 strongly-dependent group 2 enhancer GRCh37_chr12:49442744-49443943; plus strand). Cytogenetic location: 12q13.12.
Variant type: single nucleotide variant.
Coding change: c.3898A>G on transcript NM_003482.4 (MANE Select); coding-DNA position 3898, A replaced by G.
Protein change: p.Ile1300Val; replaces isoleucine 1300 with valine.
Molecular consequence: missense variant.
Genome position (GRCh38, 1-based): chr12:49,049,690, T>C on the plus strand (A>G on the coding strand, the complement: KMT2D is on the minus strand). VCF-style: chr12-49049690-T-C. GRCh37 (hg19) VCF-style: chr12-49443473-T-C.
Other names: short protein forms I1300V.
Identifiers: ClinVar variation 1400643 (VCV001400643.10), dbSNP rs2120638267, ClinGen allele CA384652370.